The following is an entry in ClinVar:

NM_004329.3(BMPR1A):c.547A>G (p.Ile183Val)

Gene: BMPR1A (bone morphogenetic protein receptor type 1A; plus strand). Cytogenetic location: 10q23.2.
Variant type: single nucleotide variant.
Coding change: c.547A>G on transcript NM_004329.3 (MANE Select); coding-DNA position 547, A replaced by G.
Protein change: p.Ile183Val; replaces isoleucine 183 with valine.
Molecular consequence: missense variant.
Genome position (GRCh38, 1-based): chr10:86,912,256, A>G. VCF-style: chr10-86912256-A-G. GRCh37 (hg19) VCF-style: chr10-88672013-A-G.
Other names: short protein forms I183V.
Identifiers: ClinVar variation 567139 (VCV000567139.13), dbSNP rs935076000, ClinGen allele CA377454198.

ClinVar aggregate classification (germline): Uncertain significance. Review status: criteria provided, multiple submitters, no conflicts (2 of 4 stars). 3 submissions from 3 submitters: Uncertain significance (3). Last evaluated 2025-11-20.

Conditions:
Juvenile polyposis syndrome (JPS). Identifiers: Orphanet 2929, MedGen C0345893, MONDO:0017380, OMIM 174900.
Hereditary cancer-predisposing syndrome. Also called: Neoplastic Syndromes, Hereditary; Tumor predisposition; Hereditary Cancer Syndrome; Hereditary neoplastic syndrome. Identifiers: Orphanet 140162, MedGen C0027672, MeSH D009386, MONDO:0015356.

Submissions (3):

Labcorp Genetics (formerly Invitae), Labcorp
Classification: Uncertain significance for Juvenile polyposis syndrome. Last evaluated: 2025-11-20. Review status: criteria provided, single submitter. Criteria: Invitae Variant Classification Sherloc (09022015). Collection method: clinical testing. Allele origin: germline.
Comment: This sequence change replaces isoleucine, which is neutral and non-polar, with valine, which is neutral and non-polar, at codon 183 of the BMPR1A protein (p.Ile183Val). This variant is not present in population databases (gnomAD no frequency). This variant has not been reported in the literature in individuals affected with BMPR1A-related conditions. ClinVar contains an entry for this variant (Variation ID: 567139). Invitae Evidence Modeling of protein sequence and biophysical properties (such as structural, functional, and spatial information, amino acid conservation, physicochemical variation, residue mobility, and thermodynamic stability) indicates that this missense variant is not expected to disrupt BMPR1A protein function with a negative predictive value of 80%. In summary, the available evidence is currently insufficient to determine the role of this variant in disease. Therefore, it has been classified as a Variant of Uncertain Significance.

Ambry Genetics
Classification: Uncertain significance for Hereditary cancer-predisposing syndrome. Last evaluated: 2022-02-12. Review status: criteria provided, single submitter. Criteria: Ambry Variant Classification Scheme 2023. Collection method: clinical testing. Allele origin: germline.
Comment: The p.I183V variant (also known as c.547A>G), located in coding exon 6 of the BMPR1A gene, results from an A to G substitution at nucleotide position 547. The isoleucine at codon 183 is replaced by valine, an amino acid with highly similar properties. This amino acid position is conserved. In addition, this alteration is predicted to be tolerated by in silico analysis. Since supporting evidence is limited at this time, the clinical significance of this alteration remains unclear.

Revvity Omics, Revvity
Classification: Uncertain significance. Last evaluated: 2020-02-24. Review status: criteria provided, single submitter. Criteria: ACMG Guidelines, 2015. Collection method: clinical testing. Allele origin: germline.